The following is an entry in ClinVar:

ClinVar aggregate classification (germline): Likely benign (1 of 4 stars; one submission).

Submission:

CeGaT Center for Human Genetics Tuebingen
Classification: Likely benign. Last evaluated: 2022-10-01. Review status: criteria provided, single submitter. Criteria: CeGaT Center For Human Genetics Tuebingen Variant Classification Criteria Version 2. Collection method: clinical testing. Allele origin: germline. Affected: yes. Observed: 1 variant allele.
Comment: ZNF582: PM2:Supporting, BP4, BP7

NM_001320371.4(ZNF582):c.603T>C (p.Cys201=)

Genes: ZNF582 (zinc finger protein 582; minus strand), LOC126862939 (BRD4-independent group 4 enhancer GRCh37_chr19:56895030-56896229; plus strand). Cytogenetic location: 19q13.43.
Variant type: single nucleotide variant.
Coding change: c.603T>C on transcript NM_001320371.4 (MANE Select); coding-DNA position 603, T replaced by C.
Protein change: p.Cys201=; no amino-acid change (cysteine 201 retained).
Molecular consequence: synonymous variant.
Genome position (GRCh38, 1-based): chr19:56,384,814, A>G on the plus strand (T>C on the coding strand, the complement: ZNF582 is on the minus strand). VCF-style: chr19-56384814-A-G. GRCh37 (hg19) VCF-style: chr19-56896183-A-G.
Other names: c.603T>C, p.Cys201= (NM_144690.3).
Identifiers: ClinVar variation 2650560 (VCV002650560.24), dbSNP rs2514113469, ClinGen allele CA509227633.